The following is an entry in ClinVar:

ClinVar aggregate classification (germline): Pathogenic. Review status: criteria provided, multiple submitters, no conflicts (2 of 4 stars). 3 submissions from 3 submitters: Pathogenic (3). Last evaluated 2024-10-22.

Conditions:
Werner syndrome (WRN). Identifiers: Orphanet 902, MedGen C0043119, MONDO:0010196, OMIM 277700.

Allele frequency attached by ClinVar (database versions not stated): TOPMed below 0.00001; gnomAD 0.00001; gnomAD exomes 0.00001 and 0.00002; ExAC 0.00002; ESP Exome Variant Server 0.00008.
gnomAD v4.1: 16 of 1,613,830 alleles (0.00099%); highest among the groups gnomAD compares: East Asian, 0.0045%; no homozygotes.

Submissions (3):

Labcorp Genetics (formerly Invitae), Labcorp
Classification: Pathogenic for Werner syndrome. Last evaluated: 2024-10-22. Review status: criteria provided, single submitter. Criteria: Invitae Variant Classification Sherloc (09022015). Collection method: clinical testing. Allele origin: germline.
Comment: This sequence change creates a premature translational stop signal (p.Arg732*) in the WRN gene. It is expected to result in an absent or disrupted protein product. Loss-of-function variants in WRN are known to be pathogenic (PMID: 16673358). This variant is present in population databases (rs143916053, gnomAD 0.02%). This premature translational stop signal has been observed in individual(s) with Werner syndrome (PMID: 16673358). ClinVar contains an entry for this variant (Variation ID: 528133). For these reasons, this variant has been classified as Pathogenic.

Fulgent Genetics
Classification: Pathogenic for Werner syndrome. Last evaluated: 2024-06-20. Review status: criteria provided, single submitter. Criteria: ACMG Guidelines, 2015. Collection method: clinical testing. Allele origin: germline.

Baylor Genetics
Classification: Pathogenic for Werner syndrome. Last evaluated: 2023-08-03. Review status: criteria provided, single submitter. Criteria: ACMG Guidelines, 2015. Collection method: clinical testing. Allele origin: unknown.

Literature cited by the submitters: PubMed 16673358 (cited by Labcorp Genetics (formerly Invitae), Labcorp).

NM_000553.6(WRN):c.2194C>T (p.Arg732Ter)

Gene: WRN (WRN RecQ like helicase; plus strand). Cytogenetic location: 8p12.
Variant type: single nucleotide variant.
Coding change: c.2194C>T on transcript NM_000553.6 (MANE Select); coding-DNA position 2194, C replaced by T.
Protein change: p.Arg732Ter; replaces arginine 732 with a stop codon.
Molecular consequence: nonsense.
Genome position (GRCh38, 1-based): chr8:31,111,720, C>T. VCF-style: chr8-31111720-C-T. GRCh37 (hg19) VCF-style: chr8-30969236-C-T.
Other names: short protein forms R732*.
Identifiers: ClinVar variation 528133 (VCV000528133.9), dbSNP rs143916053, ClinGen allele CA4704667.